The following is an entry in ClinVar:

NM_000193.4(SHH):c.482T>C (p.Leu161Pro)

Gene: SHH (sonic hedgehog signaling molecule; minus strand). Cytogenetic location: 7q36.3.
Variant type: single nucleotide variant.
Coding change: c.482T>C on transcript NM_000193.4 (MANE Select); coding-DNA position 482, T replaced by C.
Protein change: p.Leu161Pro; replaces leucine 161 with proline.
Molecular consequence: missense variant. On other transcripts: non-coding transcript variant (2).
Genome position (GRCh38, 1-based): chr7:155,806,376, A>G on the plus strand (T>C on the coding strand, the complement: SHH is on the minus strand). VCF-style: chr7-155806376-A-G. GRCh37 (hg19) VCF-style: chr7-155599070-A-G.
Other names: c.221T>C, p.Leu74Pro (NM_001310462.2); short protein forms L74P, L161P.
Identifiers: ClinVar variation 2135990 (VCV002135990.1), dbSNP rs2535901041, ClinGen allele CA370148278.

ClinVar aggregate classification (germline): Uncertain significance (1 of 4 stars; one submission).

Submission:

GeneDx
Classification: Uncertain significance. Last evaluated: 2022-07-14. Review status: criteria provided, single submitter. Criteria: GeneDx Variant Classification Process June 2021. Collection method: clinical testing. Allele origin: germline. Affected: yes.
Comment: Not observed at significant frequency in large population cohorts (gnomAD); In silico analysis supports that this missense variant has a deleterious effect on protein structure/function; Has not been previously published as pathogenic or benign to our knowledge